The following is an entry in ClinVar:

NM_138694.4(PKHD1):c.6809-9T>G

Gene: PKHD1 (PKHD1 ciliary IPT domain containing fibrocystin/polyductin; minus strand). Cytogenetic location: 6p12.2.
Variant type: single nucleotide variant.
Coding change: c.6809-9T>G on transcript NM_138694.4 (MANE Select); 9 bases into the intron before coding-DNA position 6809, T replaced by G.
Molecular consequence: intron variant.
Genome position (GRCh38, 1-based): chr6:51,904,051, A>C on the plus strand (T>G on the coding strand, the complement: PKHD1 is on the minus strand). VCF-style: chr6-51904051-A-C. GRCh37 (hg19) VCF-style: chr6-51768849-A-C.
Other names: c.6809-9T>G (NM_170724.3).
Identifiers: ClinVar variation 3046617 (VCV003046617.3), dbSNP rs748448787, ClinGen allele CA138907926.
Genomic context (GRCh38, chr6:51,904,051, plus strand): 5'-TTCCTTCCATGAATTGCCTCCCAGGAGATATATCTCATCTCCGTGCATGTCCCTGAGAAC[A>C]AAAGACCCCATTACTTGAGTATATTTTATGTCACTTAGGAAAACAAGAGATGCTGCAACA-3'

ClinVar aggregate classification (germline): Uncertain significance (1 of 4 stars; one submission).

Conditions:
PKHD1-related disorder. Also called: PKHD1-related condition.

gnomAD v4.1: 8 of 1,571,798 alleles (0.00051%); highest among the groups gnomAD compares: Non-Finnish European, 0.00061%; no homozygotes.

Submission:

PreventionGenetics, part of Exact Sciences
Classification: Uncertain significance for PKHD1-related condition. Last evaluated: 2025-01-09. Review status: criteria provided, single submitter. Criteria: ACMG Guidelines, 2015. Collection method: clinical testing. Allele origin: germline.
Comment: The PKHD1 c.6809-9T>G variant is predicted to interfere with splicing. To our knowledge, this variant has not been reported in the literature or in a large population database (gnomAD), indicating this variant is rare. At this time, the clinical significance of this variant is uncertain due to the absence of conclusive functional and genetic evidence.